The following is an entry in ClinVar:

ClinVar aggregate classification (germline): Uncertain significance. Review status: criteria provided, single submitter (1 of 4 stars). 2 submissions from 2 submitters: Uncertain significance (1). 1 of the submissions does not count toward it. Last evaluated 2019-08-22.

Conditions:
Tuberous sclerosis syndrome (TSC). Also called: Tuberous Sclerosis Complex; Tuberous sclerosis. Identifiers: Orphanet 805, MedGen C0041341, MONDO:0001734.
Tuberous sclerosis 2 (TSC2). Identifiers: Orphanet 805, MedGen C1860707, MONDO:0013199, OMIM 613254.

Submissions (2):

Labcorp Genetics (formerly Invitae), Labcorp
Classification: Uncertain significance for Tuberous sclerosis 2. Last evaluated: 2019-08-22. Review status: criteria provided, single submitter. Criteria: Invitae Variant Classification Sherloc (09022015). Collection method: clinical testing. Allele origin: germline.
Comment: This variant is not present in population databases (ExAC no frequency). In summary, the available evidence is currently insufficient to determine the role of this variant in disease. Therefore, it has been classified as a Variant of Uncertain Significance. This variant has been reported to affect TSC2 protein function (PMID: 15483652). This variant has been reported in individual(s) in the Leiden Open-source Variation Database (PMID: 21520333). ClinVar contains an entry for this variant (Variation ID: 49176). This variant, c.1826_1828dup, results in the insertion of 1 amino acid(s) to the TSC2 protein (p.Ser609dup), but otherwise preserves the integrity of the reading frame.

Tuberous sclerosis database (TSC2)
No classification provided. Condition: TSC. Review status: no classification provided. Criteria: Tuberous Sclerosis Database Assertion Criteria 2015. Collection method: curation. Allele origin: germline. Affected: yes. Not counted in ClinVar's aggregate classification.

Literature cited by the submitters: PubMed 15483652 (cited by Labcorp Genetics (formerly Invitae), Labcorp); PubMed 21520333 (cited by Labcorp Genetics (formerly Invitae), Labcorp).

NM_000548.5(TSC2):c.1823GCA[3] (p.Ser609dup)

Gene: TSC2 (TSC complex subunit 2; plus strand). Cytogenetic location: 16p13.3.
Variant type: Microsatellite.
Coding change: c.1823GCA[3] on transcript NM_000548.5 (MANE Select); three copies in a row of the 3-base unit GCA starting at c.1823; the reference has two copies in a row; one copy, 3 bases duplicated.
Protein change: p.Ser609dup; duplicates serine 609.
Molecular consequence: inframe insertion.
Genome position (GRCh38, 1-based): chr16:2,070,565-2,070,567, GCA duplicated; duplicating any 3 consecutive bases within chr16:2,070,561-2,070,567 gives the same sequence; the position shown is the placement nearest the transcript's 3' end. VCF-style (leftmost placement, unchanged base first): chr16-2070560-G-GAGC. GRCh37 (hg19) VCF-style: chr16-2120561-G-GAGC.
Other names: c.1223GCA[3], p.Ser409dup (NM_001318831.2); c.1856GCA[3], p.Ser620dup (NM_001318832.2); c.1823GCA[3], p.Ser609dup (NM_001363528.2, NM_001370404.1, NM_001370405.1 and 3 more transcripts); c.1712GCA[3], p.Ser572dup (NM_001318827.2); c.1676GCA[3], p.Ser560dup (NM_001318829.2).
Identifiers: ClinVar variation 49176 (VCV000049176.8), dbSNP rs137854260, ClinGen allele CA015900.